The following is an entry in ClinVar:

ClinVar aggregate classification (germline): Uncertain significance (1 of 4 stars; one submission).

Conditions:
Congenital anomaly of kidney and urinary tract. Also called: Congenital anomalies of the kidney and urinary tract; Congenital anomalies of kidney and urinary tract. Identifiers: Orphanet 93545, MedGen C1968949, MeSH C566906, MONDO:0019719.
Congenital heart disease (CHD). Identifiers: MedGen C0152021, MONDO:0005453. Disease mechanism: unknown.

gnomAD v4.1: 53 of 1,551,336 alleles (0.0034%); highest among the groups gnomAD compares: Non-Finnish European, 0.00026%; no homozygotes.

Submission:

Institute Of Molecular Biology And Genetics, Federal Almazov National Medical Research Centre
Classification: Uncertain significance for Congenital heart disease; Congenital anomaly of kidney and urinary tract. Last evaluated: 2026-04-01. Review status: criteria provided, single submitter. Criteria: ACMG Guidelines, 2015. Collection method: clinical testing. Allele origin: germline. Affected: yes. Observed: 1 variant allele.
Comment: The missense variant NM_001136239.4:c.1052G>A replaces cysteine with tyrosine at codon 351 of the PRDM6 protein (p.Cys351Tyr). It has a low allele frequency in gnomAD (ƒ = 0.00003416, GnomAD v4.1.0) (PM2), and multiple lines of computational evidence suggest the c.1052G>A variant as a deleterious one (PP3). In summary, the available evidence is currently insufficient to determine the role of this variant in disease. Therefore, it has been classified as a Variant of Uncertain Significance.

NM_001136239.4(PRDM6):c.1052G>A (p.Cys351Tyr)

Gene: PRDM6 (PR/SET domain 6; plus strand). Cytogenetic location: 5q23.2.
Variant type: single nucleotide variant.
Coding change: c.1052G>A on transcript NM_001136239.4 (MANE Select); coding-DNA position 1052, G replaced by A.
Protein change: p.Cys351Tyr; replaces cysteine 351 with tyrosine.
Molecular consequence: missense variant.
Genome position (GRCh38, 1-based): chr5:123,159,537, G>A. VCF-style: chr5-123159537-G-A. GRCh37 (hg19) VCF-style: chr5-122495231-G-A.
Other names: p.Cys351Tyr; short protein forms C351Y.
Identifiers: ClinVar variation 4820334 (VCV004820334.1), dbSNP rs773739323.